The following is an entry in ClinVar:

ClinVar aggregate classification (germline): Uncertain significance. Review status: criteria provided, multiple submitters, no conflicts (2 of 4 stars). 2 submissions from 2 submitters: Uncertain significance (2). Last evaluated 2023-07-21.

gnomAD v4.1: 22 of 1,600,558 alleles (0.0014%); highest among the groups gnomAD compares: African/African-American, 0.0027%; no homozygotes.

Submissions (2):

Labcorp Genetics (formerly Invitae), Labcorp
Classification: Uncertain significance. Last evaluated: 2023-07-21. Review status: criteria provided, single submitter. Criteria: Invitae Variant Classification Sherloc (09022015). Collection method: clinical testing. Allele origin: germline.
Comment: In summary, the available evidence is currently insufficient to determine the role of this variant in disease. Therefore, it has been classified as a Variant of Uncertain Significance. An algorithm developed to predict the effect of missense changes on protein structure and function (PolyPhen-2) suggests that this variant¬†is likely to be tolerated. ClinVar contains an entry for this variant (Variation ID: 1058366). This variant has not been reported in the literature in individuals affected with TMEM126A-related conditions. This variant is present in population databases (rs768503384, gnomAD 0.006%). This sequence change replaces asparagine, which is neutral and polar, with isoleucine, which is neutral and non-polar, at codon 7 of the TMEM126A protein (p.Asn7Ile).

Ambry Genetics
Classification: Uncertain significance. Last evaluated: 2022-10-27. Review status: criteria provided, single submitter. Criteria: Ambry Variant Classification Scheme 2023. Collection method: clinical testing. Allele origin: germline.

NM_032273.4(TMEM126A):c.20A>T (p.Asn7Ile)

Gene: TMEM126A (transmembrane protein 126A; plus strand). Cytogenetic location: 11q14.1.
Variant type: single nucleotide variant.
Coding change: c.20A>T on transcript NM_032273.4 (MANE Select); coding-DNA position 20, A replaced by T.
Protein change: p.Asn7Ile; replaces asparagine 7 with isoleucine.
Molecular consequence: missense variant. On other transcripts: intron variant (1).
Genome position (GRCh38, 1-based): chr11:85,650,275, A>T. VCF-style: chr11-85650275-A-T. GRCh37 (hg19) VCF-style: chr11-85361319-A-T.
Other names: c.-125+2186A>T (NM_001244735.2); c.20A>T (NM_032273.3); short protein forms N7I.
Identifiers: ClinVar variation 1058366 (VCV001058366.6), dbSNP rs768503384, ClinGen allele CA6212655.